The following is an entry in ClinVar:

NM_000388.4(CASR):c.6A>C (p.Ala2=)

Gene: CASR (calcium sensing receptor; plus strand). Cytogenetic location: 3q21.1.
Variant type: single nucleotide variant.
Coding change: c.6A>C on transcript NM_000388.4 (MANE Select); coding-DNA position 6, A replaced by C.
Protein change: p.Ala2=; no amino-acid change (alanine 2 retained).
Molecular consequence: synonymous variant.
Genome position (GRCh38, 1-based): chr3:122,254,195, A>C. VCF-style: chr3-122254195-A-C. GRCh37 (hg19) VCF-style: chr3-121973042-A-C.
Other names: p.Ala2=; c.6A>C, p.Ala2= (NM_001178065.2).
Identifiers: ClinVar variation 342795 (VCV000342795.26), dbSNP rs112042188, ClinGen allele CA2569403.

ClinVar aggregate classification (germline): Conflicting classifications of pathogenicity. Review status: criteria provided, conflicting classifications (1 of 4 stars). 10 submissions from 7 submitters: Uncertain significance (3); Benign (4); Likely benign (3). Last evaluated 2026-01-22.

Conditions:
Autosomal dominant hypocalcemia 1 (HYPOC1). Also called: HYPOCALCEMIA, FAMILIAL. Identifiers: MedGen C3715128, MONDO:0011013, OMIM 601198.
Familial hypocalciuric hypercalcemia (FHH). Also called: Familial benign hypercalcemia. Identifiers: Orphanet 405, MedGen C1809471, MONDO:0018458.
Familial hypocalciuric hypercalcemia 1. Also called: Hypercalcemia, familial benign type 1. Identifiers: Orphanet 405, Orphanet 93372, MedGen C0342637, MONDO:0007791, OMIM 145980.
Neonatal severe primary hyperparathyroidism. Identifiers: Orphanet 417, MedGen C1832615, MONDO:0009397, OMIM 239200.
Hereditary cancer-predisposing syndrome. Also called: Neoplastic Syndromes, Hereditary; Tumor predisposition; Hereditary neoplastic syndrome; Hereditary Cancer Syndrome. Identifiers: Orphanet 140162, MedGen C0027672, MeSH D009386, MONDO:0015356.
Nephrolithiasis/nephrocalcinosis. Identifiers: MedGen CN580796.
Familial hypoparathyroidism. Also called: Familial isolated hypoparathyroidism. Identifiers: Orphanet 2238, MedGen C1832648, MONDO:0016390.

Allele frequency attached by ClinVar (database versions not stated): gnomAD exomes 0.00011 and 0.00025; ExAC 0.00029; gnomAD 0.00092 and 0.00098; TOPMed 0.00116; 1000 Genomes Project 0.00120; ESP Exome Variant Server 0.00138; 1000 Genomes Project 30x 0.00141.
gnomAD v4.1: 306 of 1,612,928 alleles (0.019%); highest among the groups gnomAD compares: African/African-American, 0.37%; no homozygotes.

Submissions (10):

Labcorp Genetics (formerly Invitae), Labcorp
Classification: Benign for Familial hypocalciuric hypercalcemia; Autosomal dominant hypocalcemia 1. Last evaluated: 2026-01-22. Review status: criteria provided, single submitter. Criteria: Invitae Variant Classification Sherloc (09022015). Collection method: clinical testing. Allele origin: germline.

Mayo Clinic Laboratories, Mayo Clinic
Classification: Likely benign. Last evaluated: 2025-11-01. Review status: criteria provided, single submitter. Criteria: ACMG Guidelines, 2015. Collection method: clinical testing. Allele origin: germline. Observed: 3 variant alleles.
Comment: BS1, BP4, BP7

Athena Diagnostics
Classification: Benign. Last evaluated: 2025-08-21. Review status: criteria provided, single submitter. Criteria: Athena Diagnostics Criteria. Collection method: clinical testing. Allele origin: unknown.
Comment: The frequency of this variant in the general population is higher than would generally be expected for pathogenic variants in this gene. Computational tools yielded predictions that this variant is unlikely to have an effect on normal RNA splicing. This nucleotide position exhibits low evolutionary conservation.

Sema4
Classification: Likely benign for Hereditary cancer-predisposing syndrome. Last evaluated: 2020-11-25. Review status: criteria provided, single submitter. Criteria: Sema4 Curation Guidelines. Collection method: curation. Allele origin: germline.

Ambry Genetics
Classification: Benign for Nephrolithiasis/nephrocalcinosis. Last evaluated: 2018-10-05. Review status: criteria provided, single submitter. Criteria: Ambry Variant Classification Scheme 2023. Collection method: clinical testing. Allele origin: germline.

Eurofins Ntd Llc (ga)
Classification: Likely benign. Last evaluated: 2018-01-22. Review status: criteria provided, single submitter. Criteria: EGL Classification Definitions 2015. Collection method: clinical testing. Allele origin: germline. Observed: 1 variant allele, 1 heterozygote.

Illumina Laboratory Services, Illumina
Classification: Uncertain significance for Autosomal dominant hypocalcemia 1. Last evaluated: 2018-01-13. Review status: criteria provided, single submitter. Criteria: ICSL Variant Classification Criteria 13 December 2019. Collection method: clinical testing. Allele origin: germline.

Illumina Laboratory Services, Illumina
Classification: Uncertain significance for Neonatal severe primary hyperparathyroidism. Last evaluated: 2018-01-13. Review status: criteria provided, single submitter. Criteria: ICSL Variant Classification Criteria 13 December 2019. Collection method: clinical testing. Allele origin: germline.

Illumina Laboratory Services, Illumina
Classification: Benign for Familial isolated hypoparathyroidism. Last evaluated: 2018-01-13. Review status: criteria provided, single submitter. Criteria: ICSL Variant Classification Criteria 13 December 2019. Collection method: clinical testing. Allele origin: germline.
Comment: This variant was observed in the ICSL laboratory as part of a predisposition screen in an ostensibly healthy population. It had not been previously curated by ICSL or reported in the Human Gene Mutation Database (HGMD: prior to June 1st, 2018), and was therefore a candidate for classification through an automated scoring system. Utilizing variant allele frequency, disease prevalence and penetrance estimates, and inheritance mode, an automated score was calculated to assess if this variant is too frequent to cause the disease. Based on the score and internal cut-off values, a variant classified as benign is not then subjected to further curation. The score for this variant resulted in a classification of benign for this disease.

Illumina Laboratory Services, Illumina
Classification: Uncertain significance for Familial hypocalciuric hypercalcemia 1. Last evaluated: 2018-01-13. Review status: criteria provided, single submitter. Criteria: ICSL Variant Classification Criteria 13 December 2019. Collection method: clinical testing. Allele origin: germline.